The following is an entry in ClinVar:

ClinVar aggregate classification (germline): Likely benign. Review status: criteria provided, single submitter (1 of 4 stars). 2 submissions from 2 submitters: Likely benign (1). 1 of the submissions does not count toward it. Last evaluated 2025-08-25.

Conditions:
FOCAD-related disorder. Also called: FOCAD-related condition.

Allele frequency attached by ClinVar (database versions not stated): gnomAD exomes 0.00002; ExAC 0.00010; ESP Exome Variant Server 0.00015; TOPMed 0.00028; gnomAD 0.00032; 1000 Genomes Project 0.00060; 1000 Genomes Project 30x 0.00078.

Submissions (2):

Labcorp Genetics (formerly Invitae), Labcorp
Classification: Likely benign. Last evaluated: 2025-08-25. Review status: criteria provided, single submitter. Criteria: Invitae Variant Classification Sherloc (09022015). Collection method: clinical testing. Allele origin: germline.

PreventionGenetics, part of Exact Sciences
Classification: Likely benign for FOCAD-related condition. Last evaluated: 2022-11-16. Review status: no assertion criteria provided. Collection method: clinical testing. Allele origin: germline. Not counted in ClinVar's aggregate classification.
Comment: This variant is classified as likely benign based on ACMG/AMP sequence variant interpretation guidelines (Richards et al. 2015 PMID: 25741868, with internal and published modifications).

NM_001375567.1(FOCAD):c.4336T>C (p.Leu1446=)

Gene: FOCAD (focadhesin; plus strand). Cytogenetic location: 9p21.3.
Variant type: single nucleotide variant.
Coding change: c.4336T>C on transcript NM_001375567.1 (MANE Select); coding-DNA position 4336, T replaced by C.
Protein change: p.Leu1446=; no amino-acid change (leucine 1446 retained).
Molecular consequence: synonymous variant.
Genome position (GRCh38, 1-based): chr9:20,978,413, T>C. VCF-style: chr9-20978413-T-C. GRCh37 (hg19) VCF-style: chr9-20978412-T-C.
Other names: c.4231T>C, p.Leu1411= (NM_001375568.1, NM_001375570.1); c.4336T>C, p.Leu1446= (NM_017794.5).
Identifiers: ClinVar variation 3057941 (VCV003057941.3), dbSNP rs145433733, ClinGen allele CA5007912.